The following is an entry in ClinVar:

NM_018026.4(PACS1):c.1058A>G (p.His353Arg)

Gene: PACS1 (phosphofurin acidic cluster sorting protein 1; plus strand). Cytogenetic location: 11q13.2.
Variant type: single nucleotide variant.
Coding change: c.1058A>G on transcript NM_018026.4 (MANE Select); coding-DNA position 1058, A replaced by G.
Protein change: p.His353Arg; replaces histidine 353 with arginine.
Molecular consequence: missense variant.
Genome position (GRCh38, 1-based): chr11:66,220,650, A>G. VCF-style: chr11-66220650-A-G. GRCh37 (hg19) VCF-style: chr11-65988121-A-G.
Other names: short protein forms H353R.
Identifiers: ClinVar variation 3361800 (VCV003361800.1).

ClinVar aggregate classification (germline): Uncertain significance (1 of 4 stars; one submission).

Submission:

GeneDx
Classification: Uncertain significance. Last evaluated: 2024-03-27. Review status: criteria provided, single submitter. Criteria: GeneDx Variant Classification Process June 2021. Collection method: clinical testing. Allele origin: germline. Affected: yes.
Comment: Not observed at significant frequency in large population cohorts (gnomAD); In silico analysis supports that this missense variant does not alter protein structure/function; Has not been previously published as pathogenic or benign to our knowledge